The following is an entry in ClinVar:

NM_001370466.1(NOD2):c.1402T>G (p.Cys468Gly)

Gene: NOD2 (nucleotide binding oligomerization domain containing 2; plus strand). Cytogenetic location: 16q12.1.
Variant type: single nucleotide variant.
Coding change: c.1402T>G on transcript NM_001370466.1 (MANE Select); coding-DNA position 1402, T replaced by G.
Protein change: p.Cys468Gly; replaces cysteine 468 with glycine.
Molecular consequence: missense variant. On other transcripts: non-coding transcript variant (1).
Genome position (GRCh38, 1-based): chr16:50,711,394, T>G. VCF-style: chr16-50711394-T-G. GRCh37 (hg19) VCF-style: chr16-50745305-T-G.
Other names: c.1402T>G, p.Cys468Gly (NM_001293557.2); c.1483T>G, p.Cys495Gly (NM_022162.3); short protein forms C495G, C468G.
Identifiers: ClinVar variation 1485117 (VCV001485117.8), dbSNP rs2150810748, ClinGen allele CA395869018.
Genomic context (GRCh38, chr16:50,711,394, plus strand): 5'-GAGACCTCAGCCCTGCACGGTTTGTGCCACCTGCCTGTCTTCTCATGGATGGTGTCCAAA[T>G]GCCACCAGGAACTGTTGCTGCAGGAGGGGGGGTCCCCAAAGACCACTACAGATATGTACC-3'
Protein context (NP_001357395.1, residues 458-478): LPVFSWMVSK[Cys468Gly]HQELLLQEGG

ClinVar aggregate classification (germline): Uncertain significance (1 of 4 stars; one submission).

Conditions:
Regional enteritis. Also called: Enteritis, Granulomatous. Identifiers: MedGen C0678202, MeSH D003424.
Blau syndrome (BLAUS). Also called: GRANULOMATOSIS, FAMILIAL JUVENILE SYSTEMIC; GRANULOMATOSIS, FAMILIAL, BLAU TYPE; GRANULOMATOUS INFLAMMATORY ARTHRITIS, DERMATITIS, AND UVEITIS, FAMILIAL; JABS SYNDROME; ARTHROCUTANEOUVEAL GRANULOMATOSIS. Identifiers: Orphanet 90340, MedGen C5201146, MONDO:0008523, OMIM 186580.

Submission:

Labcorp Genetics (formerly Invitae), Labcorp
Classification: Uncertain significance for Regional enteritis; Blau syndrome. Last evaluated: 2022-11-15. Review status: criteria provided, single submitter. Criteria: Invitae Variant Classification Sherloc (09022015). Collection method: clinical testing. Allele origin: germline.
Comment: Advanced modeling of protein sequence and biophysical properties (such as structural, functional, and spatial information, amino acid conservation, physicochemical variation, residue mobility, and thermodynamic stability) performed at Invitae indicates that this missense variant is expected to disrupt NOD2 protein function. This variant disrupts the p.Cys495 amino acid residue in NOD2. Other variant(s) that disrupt this residue have been determined to be pathogenic (PMID: 17968944, 20039400, 25093298, 28639104). This suggests that this residue is clinically significant, and that variants that disrupt this residue are likely to be disease-causing. In summary, the available evidence is currently insufficient to determine the role of this variant in disease. Therefore, it has been classified as a Variant of Uncertain Significance. ClinVar contains an entry for this variant (Variation ID: 1485117). This sequence change replaces cysteine, which is neutral and slightly polar, with glycine, which is neutral and non-polar, at codon 495 of the NOD2 protein (p.Cys495Gly). This variant is not present in population databases (gnomAD no frequency). This variant has not been reported in the literature in individuals affected with NOD2-related conditions.

Literature cited by the submitters: PubMed 17968944; PubMed 20039400; PubMed 25093298; PubMed 28639104.